The following is an entry in ClinVar:

NM_152296.5(ATP1A3):c.1943+9C>T

Gene: ATP1A3 (ATPase Na+/K+ transporting subunit alpha 3; minus strand). Cytogenetic location: 19q13.2.
Variant type: single nucleotide variant.
Coding change: c.1943+9C>T on transcript NM_152296.5 (MANE Select); 9 bases into the intron after coding-DNA position 1943, C replaced by T.
Molecular consequence: intron variant.
Genome position (GRCh38, 1-based): chr19:41,977,927, G>A on the plus strand (C>T on the coding strand, the complement: ATP1A3 is on the minus strand). VCF-style: chr19-41977927-G-A. GRCh37 (hg19) VCF-style: chr19-42482079-G-A.
Other names: c.1982+9C>T (NM_001256214.2); c.1976+9C>T (NM_001256213.2).
Identifiers: ClinVar variation 3029117 (VCV003029117.2), dbSNP rs782731051, ClinGen allele CA9467535.

ClinVar aggregate classification (germline): Likely benign (0 of 4 stars; one submission).

Conditions:
ATP1A3-related disorder. Also called: ATP1A3-related disorders; ATP1A3-related condition. Identifiers: MedGen CN381097.

Allele frequency attached by ClinVar (database versions not stated): gnomAD exomes below 0.00001; ExAC 0.00001.
gnomAD v4.1: 2 of 1,614,072 alleles (0.00012%); highest among the groups gnomAD compares: Non-Finnish European, 0.00017%; no homozygotes.

Submission:

PreventionGenetics, part of Exact Sciences
Classification: Likely benign for ATP1A3-related condition. Last evaluated: 2022-02-14. Review status: no assertion criteria provided. Collection method: clinical testing. Allele origin: germline.
Comment: This variant is classified as likely benign based on ACMG/AMP sequence variant interpretation guidelines (Richards et al. 2015 PMID: 25741868, with internal and published modifications).